The following is an entry in ClinVar:

ClinVar aggregate classification (germline): Likely benign (1 of 4 stars; one submission).

gnomAD v4.1: 3 of 1,613,090 alleles (0.00019%); highest among the groups gnomAD compares: Non-Finnish European, 0.00025%; no homozygotes.

Submission:

CeGaT Center for Human Genetics Tuebingen
Classification: Likely benign. Last evaluated: 2025-10-01. Review status: criteria provided, single submitter. Criteria: CeGaT Center For Human Genetics Tuebingen Variant Classification Criteria Version 2. Collection method: clinical testing. Allele origin: germline. Affected: yes. Observed: 1 variant allele.
Comment: LONP1: BP4, BP7

NM_004793.4(LONP1):c.1794C>A (p.Gly598=)

Gene: LONP1 (lon peptidase 1, mitochondrial; minus strand). Cytogenetic location: 19p13.3.
Variant type: single nucleotide variant.
Coding change: c.1794C>A on transcript NM_004793.4 (MANE Select); coding-DNA position 1794, C replaced by A.
Protein change: p.Gly598=; no amino-acid change (glycine 598 retained).
Molecular consequence: synonymous variant. On other transcripts: non-coding transcript variant (1).
Genome position (GRCh38, 1-based): chr19:5,696,351, G>T on the plus strand (C>A on the coding strand, the complement: LONP1 is on the minus strand). VCF-style: chr19-5696351-G-T. GRCh37 (hg19) VCF-style: chr19-5696362-G-T.
Other names: c.1602C>A, p.Gly534= (NM_001276479.2); c.1206C>A, p.Gly402= (NM_001276480.1).
Identifiers: ClinVar variation 4534549 (VCV004534549.6).